The following is an entry in ClinVar:

ClinVar aggregate classification (germline): Uncertain significance. Review status: criteria provided, multiple submitters, no conflicts (2 of 4 stars). 2 submissions from 2 submitters: Uncertain significance (2). Last evaluated 2019-10-23.

Conditions:
Treacher Collins syndrome 1 (TCS1). Also called: TCOF1-Related Treacher Collins Syndrome. Identifiers: Orphanet 861, MedGen CN315775, MONDO:0007944, OMIM 154500.

Allele frequency attached by ClinVar (database versions not stated): TOPMed below 0.00001.
gnomAD v4.1: 3 of 1,549,790 alleles (0.00019%); highest among the groups gnomAD compares: Non-Finnish European, 0.00017%; no homozygotes.

Submissions (2):

GeneDx
Classification: Uncertain significance. Last evaluated: 2019-10-23. Review status: criteria provided, single submitter. Criteria: GeneDx Variant Classification Process June 2021. Collection method: clinical testing. Allele origin: germline. Affected: yes.
Comment: Not observed in large population cohorts (Lek et al., 2016); In silico analysis, which includes protein predictors and evolutionary conservation, supports a deleterious effect; This variant is associated with the following publications: (PMID: 22317976)

Johns Hopkins Genomics, Johns Hopkins University
Classification: Uncertain significance for Treacher Collins syndrome 1. Last evaluated: 2019-10-02. Review status: criteria provided, single submitter. Criteria: ACMG Guidelines, 2015. Collection method: clinical testing. Allele origin: germline.
Comment: Another variant at this position (p.Ile14Phe) has been reported in an affected individual. The Ile14 residue is believed to be important to the formation of hydrophobic contacts between Lis1 homodimers. Although p.Ile14Met is absent from healthy population datasets, other missense variants at this and other surrounding residues are present, suggesting that missense variation in the Lis1 domain may be tolerated. Three bioinformatic tools queried predict that this substitution would be probably damaging, and the isoleucine residue at this position is evolutionarily conserved across all species assessed with the exception of the Chinese tree shrew. Due to the identification of this variant in unaffected individuals and the lack of functional evidence that this variant is deleterious, we consider the clinical significance of c.42C>G uncertain at this time.

NM_001371623.1(TCOF1):c.42C>G (p.Ile14Met)

Genes: TCOF1 (treacle ribosome biogenesis factor 1; plus strand), LOC129994985 (ATAC-STARR-seq lymphoblastoid silent region 16507; plus strand). Cytogenetic location: 5q32.
Variant type: single nucleotide variant.
Coding change: c.42C>G on transcript NM_001371623.1 (MANE Select); coding-DNA position 42, C replaced by G.
Protein change: p.Ile14Met; replaces isoleucine 14 with methionine.
Molecular consequence: missense variant.
Genome position (GRCh38, 1-based): chr5:150,357,788, C>G. VCF-style: chr5-150357788-C-G. GRCh37 (hg19) VCF-style: chr5-149737351-C-G.
Other names: c.42C>G, p.Ile14Met (NM_000356.4, NM_001008657.3, NM_001135243.2 and 3 more transcripts); short protein forms I14M.
Identifiers: ClinVar variation 816644 (VCV000816644.4), dbSNP rs1581000221, ClinGen allele CA361725826.